The following is an entry in ClinVar:

NM_003900.5(SQSTM1):c.1139C>T (p.Ala380Val)

Gene: SQSTM1 (sequestosome 1; plus strand). Cytogenetic location: 5q35.3.
Variant type: single nucleotide variant.
Coding change: c.1139C>T on transcript NM_003900.5 (MANE Select); coding-DNA position 1139, C replaced by T.
Protein change: p.Ala380Val; replaces alanine 380 with valine.
Molecular consequence: missense variant.
Genome position (GRCh38, 1-based): chr5:179,833,756, C>T. VCF-style: chr5-179833756-C-T. GRCh37 (hg19) VCF-style: chr5-179260756-C-T.
Other names: c.887C>T, p.Ala296Val (NM_001142298.2, NM_001142299.2); c.1139C>T (NM_003900.4); short protein forms A380V, A296V.
Identifiers: ClinVar variation 1352802 (VCV001352802.30), dbSNP rs1447276382, ClinGen allele CA362453044.

ClinVar aggregate classification (germline): Uncertain significance. Review status: criteria provided, multiple submitters, no conflicts (2 of 4 stars). 3 submissions from 3 submitters: Uncertain significance (3). Last evaluated 2025-09-02.

Conditions:
SQSTM1-related disorder. Also called: SQSTM1-Related Disorders.
Frontotemporal dementia and/or amyotrophic lateral sclerosis 1 (FTDALS1). Also called: Frontotemporal dementia with motor neuron disease 1; C9orf72 Frontotemporal Dementia and/or Amyotrophic Lateral Sclerosis. Identifiers: Orphanet 275872, MedGen C5779877, MONDO:0007105, OMIM 105550.
Paget disease of bone 2, early-onset (PDB2). Also called: Paget disease of bone 2. Identifiers: MedGen C4085251, MONDO:0011183, OMIM 602080.

Allele frequency attached by ClinVar (database versions not stated): gnomAD 0.00001; gnomAD exomes 0.00001 and 0.00003.
gnomAD v4.1: 37 of 1,614,024 alleles (0.0023%); highest among the groups gnomAD compares: Non-Finnish European, 0.0031%; no homozygotes.

Submissions (3):

Labcorp Genetics (formerly Invitae), Labcorp
Classification: Uncertain significance for Paget disease of bone 2, early-onset; Frontotemporal dementia and/or amyotrophic lateral sclerosis 1. Last evaluated: 2025-09-02. Review status: criteria provided, single submitter. Criteria: Invitae Variant Classification Sherloc (09022015). Collection method: clinical testing. Allele origin: germline.
Comment: This sequence change replaces alanine, which is neutral and non-polar, with valine, which is neutral and non-polar, at codon 380 of the SQSTM1 protein (p.Ala380Val). This variant is present in population databases (no rsID available, gnomAD 0.002%). This variant has not been reported in the literature in individuals affected with SQSTM1-related conditions. ClinVar contains an entry for this variant (Variation ID: 1352802). Invitae Evidence Modeling of protein sequence and biophysical properties (such as structural, functional, and spatial information, amino acid conservation, physicochemical variation, residue mobility, and thermodynamic stability) has been performed for this missense variant. However, the output from this modeling did not meet the statistical confidence thresholds required to predict the impact of this variant on SQSTM1 protein function. In summary, the available evidence is currently insufficient to determine the role of this variant in disease. Therefore, it has been classified as a Variant of Uncertain Significance.

CeGaT Center for Human Genetics Tuebingen
Classification: Uncertain significance. Last evaluated: 2024-05-01. Review status: criteria provided, single submitter. Criteria: CeGaT Center For Human Genetics Tuebingen Variant Classification Criteria Version 2. Collection method: clinical testing. Allele origin: germline. Affected: yes. Observed: 2 variant alleles.
Comment: SQSTM1: PS4:Supporting

PreventionGenetics, part of Exact Sciences
Classification: Uncertain significance for SQSTM1-related condition. Last evaluated: 2023-09-29. Review status: criteria provided, single submitter. Criteria: ACMG Guidelines, 2015. Collection method: clinical testing. Allele origin: germline.
Comment: The SQSTM1 c.1139C>T variant is predicted to result in the amino acid substitution p.Ala380Val. To our knowledge, this variant has not been reported in the literature. This variant is reported in 0.0018% of alleles in individuals of European (Non-Finnish) descent in gnomAD. At this time, the clinical significance of this variant is uncertain due to the absence of conclusive functional and genetic evidence.